The following is an entry in ClinVar:

ClinVar aggregate classification (germline): Uncertain significance (1 of 4 stars; one submission).

Allele frequency attached by ClinVar (database versions not stated): gnomAD exomes below 0.00001.
gnomAD v4.1: 5 of 1,612,032 alleles (0.00031%); highest among the groups gnomAD compares: Non-Finnish European, 0.00042%; no homozygotes.

Submission:

Ambry Genetics
Classification: Uncertain significance. Last evaluated: 2023-07-24. Review status: criteria provided, single submitter. Criteria: Ambry Variant Classification Scheme 2023. Collection method: clinical testing. Allele origin: germline.
Comment: The p.D409N variant (also known as c.1225G>A), located in coding exon 10 of the RECQL gene, results from a G to A substitution at nucleotide position 1225. The aspartic acid at codon 409 is replaced by asparagine, an amino acid with highly similar properties. This amino acid position is conserved. In addition, this alteration is predicted to be tolerated by in silico analysis. Since supporting evidence is limited at this time, the clinical significance of this alteration remains unclear.

NM_002907.4(RECQL):c.1225G>A (p.Asp409Asn)

Gene: RECQL (RecQ like helicase; minus strand). Cytogenetic location: 12p12.1.
Variant type: single nucleotide variant.
Coding change: c.1225G>A on transcript NM_002907.4 (MANE Select); coding-DNA position 1225, G replaced by A.
Protein change: p.Asp409Asn; replaces aspartic acid 409 with asparagine.
Molecular consequence: missense variant.
Genome position (GRCh38, 1-based): chr12:21,474,971, C>T on the plus strand (G>A on the coding strand, the complement: RECQL is on the minus strand). VCF-style: chr12-21474971-C-T. GRCh37 (hg19) VCF-style: chr12-21627905-C-T.
Other names: c.1225G>A, p.Asp409Asn (NM_032941.3); short protein forms D409N.
Identifiers: ClinVar variation 2586007 (VCV002586007.2), dbSNP rs2540341667, ClinGen allele CA384118989.